The following is an entry in ClinVar:

NM_033641.4(COL4A6):c.2509A>C (p.Ile837Leu)

Gene: COL4A6 (collagen type IV alpha 6 chain; minus strand). Cytogenetic location: Xq22.3.
Variant type: single nucleotide variant.
Coding change: c.2509A>C on transcript NM_033641.4 (MANE Select); coding-DNA position 2509, A replaced by C.
Protein change: p.Ile837Leu; replaces isoleucine 837 with leucine.
Molecular consequence: missense variant.
Genome position (GRCh38, 1-based): chrX:108,178,690, T>G on the plus strand (A>C on the coding strand, the complement: COL4A6 is on the minus strand). VCF-style: chrX-108178690-T-G. GRCh37 (hg19) VCF-style: chrX-107421920-T-G.
Other names: c.2512A>C (NM_001847.2); c.2560A>C, p.Ile854Leu (NM_001287758.2); c.2509A>C, p.Ile837Leu (NM_001287759.2, NM_001287760.2); c.2512A>C, p.Ile838Leu (NM_001847.4); short protein forms I837L, I854L, I838L.
Identifiers: ClinVar variation 2718864 (VCV002718864.4), dbSNP rs763044757, ClinGen allele CA10487614.

ClinVar aggregate classification (germline): Uncertain significance. Review status: criteria provided, multiple submitters, no conflicts (2 of 4 stars). 2 submissions from 2 submitters: Uncertain significance (2). Last evaluated 2025-11-23.

gnomAD v4.1: 29 of 1,209,528 alleles (0.0024%); highest among the groups gnomAD compares: Admixed American, 0.033%; no homozygotes.

Submissions (2):

Labcorp Genetics (formerly Invitae), Labcorp
Classification: Uncertain significance. Last evaluated: 2025-11-23. Review status: criteria provided, single submitter. Criteria: Invitae Variant Classification Sherloc (09022015). Collection method: clinical testing. Allele origin: germline.
Comment: This sequence change replaces isoleucine, which is neutral and non-polar, with leucine, which is neutral and non-polar, at codon 838 of the COL4A6 protein (p.Ile838Leu). This variant is present in population databases (rs763044757, gnomAD 0.05%), and has an allele count higher than expected for a pathogenic variant. This variant has not been reported in the literature in individuals affected with COL4A6-related conditions. ClinVar contains an entry for this variant (Variation ID: 2718864). An algorithm developed to predict the effect of missense changes on protein structure and function outputs the following: PolyPhen-2: "Benign". The leucine amino acid residue is found in multiple mammalian species, which suggests that this missense change does not adversely affect protein function. In summary, the available evidence is currently insufficient to determine the role of this variant in disease. Therefore, it has been classified as a Variant of Uncertain Significance.

Ambry Genetics
Classification: Uncertain significance. Last evaluated: 2023-12-19. Review status: criteria provided, single submitter. Criteria: Ambry Variant Classification Scheme 2023. Collection method: clinical testing. Allele origin: germline.